The following is an entry in ClinVar:

ClinVar aggregate classification (germline): Likely benign (0 of 4 stars; one submission).

Conditions:
DPF2-related disorder. Also called: DPF2-related condition.

Allele frequency attached by ClinVar (database versions not stated): gnomAD exomes below 0.00001.

Submission:

PreventionGenetics, part of Exact Sciences
Classification: Likely benign for DPF2-related condition. Last evaluated: 2023-04-26. Review status: no assertion criteria provided. Collection method: clinical testing. Allele origin: germline.
Comment: This variant is classified as likely benign based on ACMG/AMP sequence variant interpretation guidelines (Richards et al. 2015 PMID: 25741868, with internal and published modifications).

NM_006268.5(DPF2):c.105C>T (p.Arg35=)

Gene: DPF2 (double PHD fingers 2; plus strand). Cytogenetic location: 11q13.1.
Variant type: single nucleotide variant.
Coding change: c.105C>T on transcript NM_006268.5 (MANE Select); coding-DNA position 105, C replaced by T.
Protein change: p.Arg35=; no amino-acid change (arginine 35 retained).
Molecular consequence: synonymous variant.
Genome position (GRCh38, 1-based): chr11:65,340,457, C>T. VCF-style: chr11-65340457-C-T. GRCh37 (hg19) VCF-style: chr11-65107928-C-T.
Other names: c.105C>T, p.Arg35= (NM_001330308.2).
Identifiers: ClinVar variation 3045910 (VCV003045910.2), dbSNP rs2495388265, ClinGen allele CA475008145.
Genomic context (GRCh38, chr11:65,340,457, plus strand): 5'-GTACTACAAAGATGCCATGGAGCAGTGCCACAATTACAATGCTCGCCTCTGTGCTGAGCG[C>T]AGCGTGCGCCTGCCTTTCTTGGACTCACAGACCGGAGTAGCCCAGAGCAATTGTTACATC-3'
Protein context (NP_006259.1, residues 25-45): HNYNARLCAE[Arg35=]SVRLPFLDSQ